The following is an entry in ClinVar:

ClinVar aggregate classification (germline): Uncertain significance (1 of 4 stars; one submission).

Conditions:
Pigmentary pallidal degeneration (NBIA1). Also called: Neurodegeneration with brain iron accumulation 1; Pantothenate Kinase-Associated Neurodegeneration; Neuroaxonal dystrophy, late infantile; Hallervorden-Spatz disease; HARP SYNDROME; PKAN NEUROAXONAL DYSTROPHY, JUVENILE-ONSET. Identifiers: Orphanet 157850, MedGen C0018523, MONDO:0009319, OMIM 234200.

Submission:

Labcorp Genetics (formerly Invitae), Labcorp
Classification: Uncertain significance for Pigmentary pallidal degeneration. Last evaluated: 2022-08-01. Review status: criteria provided, single submitter. Criteria: Invitae Variant Classification Sherloc (09022015). Collection method: clinical testing. Allele origin: germline.
Comment: In summary, the available evidence is currently insufficient to determine the role of this variant in disease. Therefore, it has been classified as a Variant of Uncertain Significance. Algorithms developed to predict the effect of missense changes on protein structure and function are either unavailable or do not agree on the potential impact of this missense change (SIFT: "Deleterious"; PolyPhen-2: "Benign"; Align-GVGD: "Class C0"). This variant has not been reported in the literature in individuals affected with PANK2-related conditions. This variant is not present in population databases (gnomAD no frequency). This sequence change replaces arginine, which is basic and polar, with cysteine, which is neutral and slightly polar, at codon 135 of the PANK2 protein (p.Arg135Cys).

NM_001386393.1(PANK2):c.73C>T (p.Arg25Cys)

Genes: PANK2 (pantothenate kinase 2; plus strand), LOC130065345 (ATAC-STARR-seq lymphoblastoid silent region 12635; plus strand). Cytogenetic location: 20p13.
Variant type: single nucleotide variant.
Coding change: c.73C>T on transcript NM_001386393.1 (MANE Select); coding-DNA position 73, C replaced by T.
Protein change: p.Arg25Cys; replaces arginine 25 with cysteine.
Molecular consequence: missense variant. On other transcripts: 5 prime UTR variant (1), non-coding transcript variant (1), intron variant (1).
Genome position (GRCh38, 1-based): chr20:3,889,503, C>T. VCF-style: chr20-3889503-C-T. GRCh37 (hg19) VCF-style: chr20-3870150-C-T.
Other names: c.-639C>T (NM_001324191.2); c.403C>T, p.Arg135Cys (NM_001324192.1, NM_153638.4); c.-246+599C>T (NM_024960.6); short protein forms R135C, R25C.
Identifiers: ClinVar variation 2005452 (VCV002005452.4), dbSNP rs2090076403, ClinGen allele CA408140922.
Genomic context (GRCh38, chr20:3,889,503, plus strand): 5'-CTCGGGCGGCAGCGACTGCTGCTGCGGATGGGAGGGGGCCGGCTCGGCGCGCCCATGGAG[C>T]GCCACGGCAGGGCTTCCGCCACCTCCGTCTCGTCGGCTGGGGAGCAGGCGGCCGGGGACC-3'
Protein context (NP_001373322.1, residues 15-35): GGGRLGAPME[Arg25Cys]HGRASATSVS